The following is an entry in ClinVar:

ClinVar aggregate classification (germline): Likely pathogenic (1 of 4 stars; one submission).

Conditions:
Autosomal recessive distal spinal muscular atrophy 2. Also called: NEURONOPATHY, DISTAL HEREDITARY MOTOR, JERASH TYPE; NEUROPATHY, DISTAL HEREDITARY MOTOR, JERASH TYPE; SPINAL MUSCULAR ATROPHY, JERASH TYPE; NEUROPATHY, DISTAL HEREDITARY MOTOR, AUTOSOMAL RECESSIVE 2; Hereditary motor neuropathy, Jerash type; Motor neuropathy, distal, Jerash type. Identifiers: Orphanet 139552, MedGen C1854023, MONDO:0011585, OMIM 605726.
Amyotrophic lateral sclerosis type 16. Also called: AMYOTROPHIC LATERAL SCLEROSIS 16, JUVENILE. Identifiers: Orphanet 300605, MedGen C3280587, MONDO:0013715, OMIM 614373.

Allele frequency attached by ClinVar (database versions not stated): gnomAD exomes below 0.00001.
gnomAD v4.1: 1 of 1,602,042 alleles (0.000062%); highest among the groups gnomAD compares: Non-Finnish European, 0.000085%; no homozygotes.

Submission:

Labcorp Genetics (formerly Invitae), Labcorp
Classification: Likely pathogenic for Autosomal recessive distal spinal muscular atrophy 2; Amyotrophic lateral sclerosis type 16. Last evaluated: 2025-05-30. Review status: criteria provided, single submitter. Criteria: Invitae Variant Classification Sherloc (09022015). Collection method: clinical testing. Allele origin: germline.
Comment: This sequence change affects an acceptor splice site in intron 1 of the SIGMAR1 gene. It is expected to disrupt RNA splicing. Variants that disrupt the donor or acceptor splice site typically lead to a loss of protein function (PMID: 16199547), and loss-of-function variants in SIGMAR1 are known to be pathogenic (PMID: 26078401, 27402882, 28708278, 29115704). This variant is not present in population databases (gnomAD no frequency). This variant has not been reported in the literature in individuals affected with SIGMAR1-related conditions. ClinVar contains an entry for this variant (Variation ID: 1067640). Algorithms developed to predict the effect of sequence changes on RNA splicing suggest that this variant may disrupt the consensus splice site. In summary, the currently available evidence indicates that the variant is pathogenic, but additional data are needed to prove that conclusively. Therefore, this variant has been classified as Likely Pathogenic.

Literature cited by the submitters: PubMed 16199547; PubMed 26078401; PubMed 27402882; PubMed 28708278; PubMed 29115704.

NM_005866.4(SIGMAR1):c.152-2A>T

Gene: SIGMAR1 (sigma receptor chaperone 1; minus strand). Cytogenetic location: 9p13.3.
Variant type: single nucleotide variant.
Coding change: c.152-2A>T on transcript NM_005866.4 (MANE Select); the canonical splice acceptor site of the intron before coding-DNA position 152, A replaced by T.
Molecular consequence: splice acceptor variant.
Genome position (GRCh38, 1-based): chr9:34,637,422, T>A on the plus strand (A>T on the coding strand, the complement: SIGMAR1 is on the minus strand). VCF-style: chr9-34637422-T-A. GRCh37 (hg19) VCF-style: chr9-34637419-T-A.
Other names: c.92-2A>T (NM_001282207.2); c.152-2A>T (NM_001282209.2, NM_147157.3, NM_001282205.2 and 1 more transcripts); c.-102-2A>T (NM_001282206.2).
Identifiers: ClinVar variation 1067640 (VCV001067640.7), dbSNP rs2132329744, ClinGen allele CA373275376.
Genomic context (GRCh38, chr9:34,637,422, plus strand): 5'-TGGGTGCAGCCGCCGCAGCTCCACGATCAGACGAGAGAAGGCCAGCTCGTGGTCCAGCCC[T>A]GGCGGAGGCAGAGGGGCGGCGGAGTCAGGGCTGGCACCGGTCCTAGGTCCGGGGATGGCG-3'